The following is an entry in ClinVar:

NM_000535.7(PMS2):c.2305T>C (p.Ser769Pro)

Gene: PMS2 (PMS1 homolog 2, mismatch repair system component; minus strand). Cytogenetic location: 7p22.1.
Variant type: single nucleotide variant.
Coding change: c.2305T>C on transcript NM_000535.7 (MANE Select); coding-DNA position 2305, T replaced by C.
Protein change: p.Ser769Pro; replaces serine 769 with proline.
Molecular consequence: missense variant.
Genome position (GRCh38, 1-based): chr7:5,977,728, A>G on the plus strand (T>C on the coding strand, the complement: PMS2 is on the minus strand). VCF-style: chr7-5977728-A-G. GRCh37 (hg19) VCF-style: chr7-6017359-A-G.
Other names: c.1900T>C, p.Ser634Pro (NM_001018040.1, NM_001322003.2, NM_001322004.2 and 12 more transcripts); c.2149T>C, p.Ser717Pro (NM_001322006.2); c.1987T>C, p.Ser663Pro (NM_001322007.2, NM_001322008.2, NM_001406883.1); c.1933T>C, p.Ser645Pro (NM_001322009.2, NM_001406887.1, NM_001406888.1); c.1744T>C, p.Ser582Pro (NM_001322010.2, NM_001406906.1, NM_001406907.1); c.1372T>C, p.Ser458Pro (NM_001322011.2, NM_001322012.2); c.1732T>C, p.Ser578Pro (NM_001322013.2, NM_001406908.1, NM_001406909.1); c.2338T>C, p.Ser780Pro (NM_001322014.2); and 18 more; short protein forms S458P, S614P, S634P, S657P, S677P, S717P, S368P, S578P.
Identifiers: ClinVar variation 1789354 (VCV001789354.5), dbSNP rs1781852106, ClinGen allele CA366736071.

ClinVar aggregate classification (germline): Uncertain significance. Review status: criteria provided, multiple submitters, no conflicts (2 of 4 stars). 2 submissions from 2 submitters: Uncertain significance (2). Last evaluated 2022-12-15.

Conditions:
Hereditary cancer-predisposing syndrome. Also called: Hereditary Cancer Syndrome; Hereditary neoplastic syndrome; Tumor predisposition; Neoplastic Syndromes, Hereditary. Identifiers: Orphanet 140162, MedGen C0027672, MeSH D009386, MONDO:0015356.
Hereditary nonpolyposis colorectal neoplasms. Identifiers: MedGen C0009405, MeSH D003123.

Submissions (2):

Labcorp Genetics (formerly Invitae), Labcorp
Classification: Uncertain significance for Hereditary nonpolyposis colorectal neoplasms. Last evaluated: 2022-12-15. Review status: criteria provided, single submitter. Criteria: Invitae Variant Classification Sherloc (09022015). Collection method: clinical testing. Allele origin: germline.
Comment: Algorithms developed to predict the effect of sequence changes on RNA splicing suggest that this variant may disrupt the consensus splice site. In summary, the available evidence is currently insufficient to determine the role of this variant in disease. Therefore, it has been classified as a Variant of Uncertain Significance. Advanced modeling of protein sequence and biophysical properties (such as structural, functional, and spatial information, amino acid conservation, physicochemical variation, residue mobility, and thermodynamic stability) performed at Invitae indicates that this missense variant is expected to disrupt PMS2 protein function. This sequence change replaces serine, which is neutral and polar, with proline, which is neutral and non-polar, at codon 769 of the PMS2 protein (p.Ser769Pro). The frequency data for this variant in the population databases (gnomAD) is considered unreliable due to the presence of homologous sequence, such as pseudogenes or paralogs, in the genome. This variant has not been reported in the literature in individuals affected with PMS2-related conditions. ClinVar contains an entry for this variant (Variation ID: 1789354).

Ambry Genetics
Classification: Uncertain significance for Hereditary cancer-predisposing syndrome. Last evaluated: 2022-06-10. Review status: criteria provided, single submitter. Criteria: Ambry Variant Classification Scheme 2023. Collection method: clinical testing. Allele origin: germline.
Comment: The p.S769P variant (also known as c.2305T>C), located in coding exon 14 of the PMS2 gene, results from a T to C substitution at nucleotide position 2305. The serine at codon 769 is replaced by proline, an amino acid with similar properties. This amino acid position is highly conserved in available vertebrate species. In addition, this alteration is predicted to be deleterious by in silico analysis. Since supporting evidence is limited at this time, the clinical significance of this alteration remains unclear.